The following is an entry in ClinVar:

NM_002109.6(HARS1):c.862A>C (p.Lys288Gln)

Gene: HARS1 (histidyl-tRNA synthetase 1; minus strand). Cytogenetic location: 5q31.3.
Variant type: single nucleotide variant.
Coding change: c.862A>C on transcript NM_002109.6 (MANE Select); coding-DNA position 862, A replaced by C.
Protein change: p.Lys288Gln; replaces lysine 288 with glutamine.
Molecular consequence: missense variant.
Genome position (GRCh38, 1-based): chr5:140,677,078, T>G on the plus strand (A>C on the coding strand, the complement: HARS1 is on the minus strand). VCF-style: chr5-140677078-T-G. GRCh37 (hg19) VCF-style: chr5-140056663-T-G.
Other names: c.742A>C, p.Lys248Gln (NM_001258040.3); c.802A>C, p.Lys268Gln (NM_001258041.3); c.682A>C, p.Lys228Gln (NM_001258042.3); c.640A>C, p.Lys214Gln (NM_001289092.2); c.520A>C, p.Lys174Gln (NM_001289093.2); c.775A>C, p.Lys259Gln (NM_001289094.2); short protein forms K174Q, K214Q, K228Q, K248Q, K259Q, K268Q, K288Q.
Identifiers: ClinVar variation 3628858 (VCV003628858.2).
Genomic context (GRCh38, chr5:140,677,078, plus strand): 5'-ACTCAAAGAGCAACTTCAGGTCTCCCAGGCCCTCCAAGGCCTGCTTGTTTTGGGATAGTT[T>G]AGGATCCTGGAGCAGCTGTTCCACCAGGGATACCCCACCTGGGGAGACAGACTTGTGAGT-3'
Protein context (NP_002100.2, residues 278-298): SLVEQLLQDP[Lys288Gln]LSQNKQALEG

ClinVar aggregate classification (germline): Uncertain significance (1 of 4 stars; one submission).

Conditions:
Usher syndrome type 3B. Also called: USHER SYNDROME, TYPE IIIB. Identifiers: MedGen C3281066, MONDO:0013788, OMIM 614504.

Submission:

Labcorp Genetics (formerly Invitae), Labcorp
Classification: Uncertain significance for Usher syndrome type 3B. Last evaluated: 2024-10-10. Review status: criteria provided, single submitter. Criteria: Invitae Variant Classification Sherloc (09022015). Collection method: clinical testing. Allele origin: germline.
Comment: This sequence change replaces lysine, which is basic and polar, with glutamine, which is neutral and polar, at codon 288 of the HARS protein (p.Lys288Gln). This variant is not present in population databases (gnomAD no frequency). This variant has not been reported in the literature in individuals affected with HARS-related conditions. Invitae Evidence Modeling of protein sequence and biophysical properties (such as structural, functional, and spatial information, amino acid conservation, physicochemical variation, residue mobility, and thermodynamic stability) indicates that this missense variant is not expected to disrupt HARS protein function with a negative predictive value of 80%. In summary, the available evidence is currently insufficient to determine the role of this variant in disease. Therefore, it has been classified as a Variant of Uncertain Significance.